The following is an entry in ClinVar:

ClinVar aggregate classification (germline): Uncertain significance (1 of 4 stars; one submission).

Allele frequency attached by ClinVar (database versions not stated): gnomAD exomes below 0.00001.
gnomAD v4.1: 3 of 1,592,926 alleles (0.00019%); highest among the groups gnomAD compares: South Asian, 0.0023%; no homozygotes.

Submission:

Labcorp Genetics (formerly Invitae), Labcorp
Classification: Uncertain significance. Last evaluated: 2023-08-17. Review status: criteria provided, single submitter. Criteria: Invitae Variant Classification Sherloc (09022015). Collection method: clinical testing. Allele origin: germline.
Comment: This sequence change replaces phenylalanine, which is neutral and non-polar, with leucine, which is neutral and non-polar, at codon 75 of the FAR1 protein (p.Phe75Leu). This variant is not present in population databases (gnomAD no frequency). In summary, the available evidence is currently insufficient to determine the role of this variant in disease. Therefore, it has been classified as a Variant of Uncertain Significance. Advanced modeling of protein sequence and biophysical properties (such as structural, functional, and spatial information, amino acid conservation, physicochemical variation, residue mobility, and thermodynamic stability) performed at Invitae indicates that this missense variant is not expected to disrupt FAR1 protein function. This variant has not been reported in the literature in individuals affected with FAR1-related conditions.

NM_032228.6(FAR1):c.225T>G (p.Phe75Leu)

Gene: FAR1 (fatty acyl-CoA reductase 1; plus strand). Cytogenetic location: 11p15.3.
Variant type: single nucleotide variant.
Coding change: c.225T>G on transcript NM_032228.6 (MANE Select); coding-DNA position 225, T replaced by G.
Protein change: p.Phe75Leu; replaces phenylalanine 75 with leucine.
Molecular consequence: missense variant.
Genome position (GRCh38, 1-based): chr11:13,700,352, T>G. VCF-style: chr11-13700352-T-G. GRCh37 (hg19) VCF-style: chr11-13721899-T-G.
Other names: short protein forms F75L.
Identifiers: ClinVar variation 2849345 (VCV002849345.3), dbSNP rs1324679853, ClinGen allele CA379856396.